The following is an entry in ClinVar:

ClinVar aggregate classification (germline): Pathogenic. Review status: criteria provided, multiple submitters, no conflicts (2 of 4 stars). 6 submissions from 6 submitters: Pathogenic (6). Last evaluated 2024-06-21.

Conditions:
Hereditary cancer-predisposing syndrome. Also called: Tumor predisposition; Hereditary Cancer Syndrome; Hereditary neoplastic syndrome; Neoplastic Syndromes, Hereditary. Identifiers: Orphanet 140162, MedGen C0027672, MeSH D009386, MONDO:0015356.
Familial cancer of breast. Also called: BREAST CANCER, FAMILIAL; Hereditary breast cancer; hereditary breast carcinoma. Identifiers: Orphanet 227535, MedGen C0346153, MONDO:0016419, OMIM 114480. Disease mechanism: loss of function.

Submissions (6):

Labcorp Genetics (formerly Invitae), Labcorp
Classification: Pathogenic for Familial cancer of breast. Last evaluated: 2024-06-21. Review status: criteria provided, single submitter. Criteria: Invitae Variant Classification Sherloc (09022015). Collection method: clinical testing. Allele origin: germline.
Comment: This sequence change creates a premature translational stop signal (p.Trp452*) in the CHEK2 gene. It is expected to result in an absent or disrupted protein product. Loss-of-function variants in CHEK2 are known to be pathogenic (PMID: 21876083, 24713400). This variant is not present in population databases (gnomAD no frequency). This premature translational stop signal has been observed in individual(s) with breast cancer (PMID: 28724667, 29356917). ClinVar contains an entry for this variant (Variation ID: 182453). For these reasons, this variant has been classified as Pathogenic.

Baylor Genetics
Classification: Pathogenic for Familial cancer of breast. Last evaluated: 2023-12-22. Review status: criteria provided, single submitter. Criteria: ACMG Guidelines, 2015. Collection method: clinical testing. Allele origin: unknown.

Myriad Genetics, Inc.
Classification: Pathogenic for Familial cancer of breast. Last evaluated: 2023-06-28. Review status: criteria provided, single submitter. Criteria: Myriad Autosomal Dominant, Autosomal Recessive and X-Linked Classification Criteria (2023). Collection method: clinical testing. Allele origin: unknown.
Comment: This variant is considered pathogenic. This variant creates a termination codon and is predicted to result in premature protein truncation.

Ambry Genetics
Classification: Pathogenic for Hereditary cancer-predisposing syndrome. Last evaluated: 2023-06-21. Review status: criteria provided, single submitter. Criteria: Ambry Variant Classification Scheme 2023. Collection method: clinical testing. Allele origin: germline.
Comment: The p.W452* pathogenic mutation (also known as c.1356G>A), located in coding exon 11 of the CHEK2 gene, results from a G to A substitution at nucleotide position 1356. This changes the amino acid from a tryptophan to a stop codon within coding exon 11. This alteration is expected to result in loss of function by premature protein truncation or nonsense-mediated mRNA decay. As such, this alteration is interpreted as a disease-causing mutation.

Color Diagnostics, LLC DBA Color Health
Classification: Pathogenic for Hereditary cancer-predisposing syndrome. Last evaluated: 2020-11-02. Review status: criteria provided, single submitter. Criteria: ACMG Guidelines, 2015. Collection method: clinical testing. Allele origin: germline.
Comment: This variant changes 1 nucleotide in exon 12 of the CHEK2 gene, creating a premature translation stop signal. This variant is expected to result in an absent or non-functional protein product. This variant has been reported in an individual affected with breast cancer (PMID: 28724667). This variant has not been identified in the general population by the Genome Aggregation Database (gnomAD). Loss of CHEK2 function is a known mechanism of disease. Based on the available evidence, this variant is classified as Pathogenic.

GeneDx
Classification: Pathogenic. Last evaluated: 2014-10-06. Review status: criteria provided, single submitter. Criteria: GeneDx Variant Classification (06012015). Collection method: clinical testing. Allele origin: germline. Affected: yes.
Comment: This pathogenic variant is denoted CHEK2 c.1356G>A at the cDNA level and p.Trp452Ter (W452X) at the protein level. The substitution creates a nonsense variant, which changes a Tryptophan to a premature stop codon (TGG>TGA), and is predicted to cause loss of normal protein function through either protein truncation or nonsense-mediated mRNA decay. Although this variant has not, to our knowledge, been reported in the literature, it is considered pathogenic.

Literature cited by the submitters: PubMed 21876083 (cited by Labcorp Genetics (formerly Invitae), Labcorp); PubMed 24713400 (cited by Labcorp Genetics (formerly Invitae), Labcorp); PubMed 28724667 (cited by Labcorp Genetics (formerly Invitae), Labcorp); PubMed 29356917 (cited by Labcorp Genetics (formerly Invitae), Labcorp).

NM_007194.4(CHEK2):c.1356G>A (p.Trp452Ter)

Gene: CHEK2 (checkpoint kinase 2; minus strand). Cytogenetic location: 22q12.1.
Variant type: single nucleotide variant.
Coding change: c.1356G>A on transcript NM_007194.4 (MANE Select); coding-DNA position 1356, G replaced by A.
Protein change: p.Trp452Ter; replaces tryptophan 452 with a stop codon.
Molecular consequence: nonsense.
Genome position (GRCh38, 1-based): chr22:28,695,146, C>T on the plus strand (G>A on the coding strand, the complement: CHEK2 is on the minus strand). VCF-style: chr22-28695146-C-T. GRCh37 (hg19) VCF-style: chr22-29091134-C-T.
Other names: p.W452*:TGG>TGA; c.1485G>A, p.Trp495Ter (NM_001005735.3); c.693G>A, p.Trp231Ter (NM_001257387.3); c.1155G>A, p.Trp385Ter (NM_001349956.3); c.1269G>A, p.Trp423Ter (NM_145862.3); short protein forms W452*, W495*, W231*, W385*, W423*.
Identifiers: ClinVar variation 182453 (VCV000182453.15), dbSNP rs730881702, ClinGen allele CA299112.
Genomic context (GRCh38, chr22:28,695,146, plus strand): 5'-TTTTAGCATACCACAAATTCTTAACCCTTTCATATTCATACCTTTCTCTGAGACTTCTGC[C>T]CAGACTTCAGGAATGAAGTTGTATTTTCCACTGGTGATCTGATCCTTCAGTGACACTTGA-3'